The following is an entry in ClinVar:

NM_000179.3(MSH6):c.73G>C (p.Ala25Pro)

Gene: MSH6 (mutS homolog 6; plus strand). Cytogenetic location: 2p16.3.
Variant type: single nucleotide variant.
Coding change: c.73G>C on transcript NM_000179.3 (MANE Select); coding-DNA position 73, G replaced by C.
Protein change: p.Ala25Pro; replaces alanine 25 with proline.
Molecular consequence: missense variant. On other transcripts: 5 prime UTR variant (1).
Genome position (GRCh38, 1-based): chr2:47,783,306, G>C. VCF-style: chr2-47783306-G-C. GRCh37 (hg19) VCF-style: chr2-48010445-G-C.
Other names: c.73G>C, p.Ala25Pro (NM_001281492.2); c.-664G>C (NM_001281493.2); c.73G>C (NM_000179.2); short protein forms A25P.
Identifiers: ClinVar variation 1027134 (VCV001027134.10), dbSNP rs267608026, ClinGen allele CA346734788.

ClinVar aggregate classification (germline): Uncertain significance. Review status: criteria provided, multiple submitters, no conflicts (2 of 4 stars). 2 submissions from 2 submitters: Uncertain significance (2). Last evaluated 2025-05-07.

Conditions:
Hereditary cancer-predisposing syndrome. Also called: Neoplastic Syndromes, Hereditary; Tumor predisposition; Hereditary Cancer Syndrome; Hereditary neoplastic syndrome. Identifiers: Orphanet 140162, MedGen C0027672, MeSH D009386, MONDO:0015356.
Hereditary nonpolyposis colorectal neoplasms. Identifiers: MedGen C0009405, MeSH D003123.

Submissions (2):

Labcorp Genetics (formerly Invitae), Labcorp
Classification: Uncertain significance for Hereditary nonpolyposis colorectal neoplasms. Last evaluated: 2025-05-07. Review status: criteria provided, single submitter. Criteria: Invitae Variant Classification Sherloc (09022015). Collection method: clinical testing. Allele origin: germline.
Comment: This sequence change replaces alanine, which is neutral and non-polar, with proline, which is neutral and non-polar, at codon 25 of the MSH6 protein (p.Ala25Pro). This variant is not present in population databases (gnomAD no frequency). This variant has not been reported in the literature in individuals affected with MSH6-related conditions. ClinVar contains an entry for this variant (Variation ID: 1027134). Invitae Evidence Modeling of protein sequence and biophysical properties (such as structural, functional, and spatial information, amino acid conservation, physicochemical variation, residue mobility, and thermodynamic stability) indicates that this missense variant is not expected to disrupt MSH6 protein function with a negative predictive value of 95%. In summary, the available evidence is currently insufficient to determine the role of this variant in disease. Therefore, it has been classified as a Variant of Uncertain Significance.

Ambry Genetics
Classification: Uncertain significance for Hereditary cancer-predisposing syndrome. Last evaluated: 2025-01-21. Review status: criteria provided, single submitter. Criteria: Ambry Variant Classification Scheme 2023. Collection method: clinical testing. Allele origin: germline.
Comment: The p.A25P variant (also known as c.73G>C), located in coding exon 1 of the MSH6 gene, results from a G to C substitution at nucleotide position 73. The alanine at codon 25 is replaced by proline, an amino acid with highly similar properties. This amino acid position is not well conserved in available vertebrate species. In addition, this alteration is predicted to be tolerated by in silico analysis. Based on the available evidence, the clinical significance of this variant remains unclear.